The following is an entry in ClinVar:

ClinVar aggregate classification (germline): Uncertain significance (1 of 4 stars; one submission).

Allele frequency attached by ClinVar (database versions not stated): gnomAD 0.00001.
gnomAD v4.1: 3 of 1,613,302 alleles (0.00019%); highest among the groups gnomAD compares: Admixed American, 0.0017%; no homozygotes.

Submissions (2):

Labcorp Genetics (formerly Invitae), Labcorp
Classification: Uncertain significance. Last evaluated: 2022-10-27. Review status: criteria provided, single submitter. Criteria: Invitae Variant Classification Sherloc (09022015). Collection method: clinical testing. Allele origin: germline.
Comment: This variant has not been reported in the literature in individuals affected with ALPK1-related conditions. This variant is not present in population databases (gnomAD no frequency). This sequence change replaces arginine, which is basic and polar, with glutamine, which is neutral and polar, at codon 102 of the ALPK1 protein (p.Arg102Gln). Advanced modeling of protein sequence and biophysical properties (such as structural, functional, and spatial information, amino acid conservation, physicochemical variation, residue mobility, and thermodynamic stability) performed at Invitae indicates that this missense variant is not expected to disrupt ALPK1 protein function. In summary, the available evidence is currently insufficient to determine the role of this variant in disease. Therefore, it has been classified as a Variant of Uncertain Significance.

Dr. Peter K. Rogan Lab, Western University
No classification provided (evidence only). Condition: Sarcoma. Review status: no classification provided. Collection method: in vitro. Allele origin: not applicable. Functional consequence: retained intron. Not counted in ClinVar's aggregate classification.

NM_025144.4(ALPK1):c.305G>A (p.Arg102Gln)

Gene: ALPK1 (alpha kinase 1; plus strand). Cytogenetic location: 4q25.
Variant type: single nucleotide variant.
Coding change: c.305G>A on transcript NM_025144.4 (MANE Select); coding-DNA position 305, G replaced by A.
Protein change: p.Arg102Gln; replaces arginine 102 with glutamine.
Molecular consequence: missense variant.
Genome position (GRCh38, 1-based): chr4:112,411,855, G>A. VCF-style: chr4-112411855-G-A. GRCh37 (hg19) VCF-style: chr4-113333011-G-A.
Other names: c.305G>A, p.Arg102Gln (NM_001102406.2); c.71G>A, p.Arg24Gln (NM_001253884.2); short protein forms R102Q, R24Q.
Identifiers: ClinVar variation 2974460 (VCV002974460.4), dbSNP rs772239630, ClinGen allele CA357990497.
Genomic context (GRCh38, chr4:112,411,855, plus strand): 5'-CTGGCTCACGATGTTCCACGCTGTTCCTCCAGGCGTCCCTGAGGGCCTCCATCCTCGCTC[G>A]GGACTGTGCGGCTGCGGCGGCTATTGTGTTCTTGGTGGACCGGTTCCTGTATGGGCTCGA-3'
Protein context (NP_079420.3, residues 92-112): LASLRASILA[Arg102Gln]DCAAAAAIVF